The following is an entry in ClinVar:

ClinVar aggregate classification (germline): Uncertain significance (1 of 4 stars; one submission).

Allele frequency attached by ClinVar (database versions not stated): TOPMed 0.00001.
gnomAD v4.1: 9 of 1,613,978 alleles (0.00056%); highest among the groups gnomAD compares: East Asian, 0.02%; no homozygotes.

Submission:

GeneDx
Classification: Uncertain significance. Last evaluated: 2023-02-26. Review status: criteria provided, single submitter. Criteria: GeneDx Variant Classification Process June 2021. Collection method: clinical testing. Allele origin: germline. Affected: yes.
Comment: In silico analysis supports that this missense variant has a deleterious effect on protein structure/function; Has not been previously published as pathogenic or benign to our knowledge

NM_139215.3(TAF15):c.227G>T (p.Ser76Ile)

Gene: TAF15 (TATA-box binding protein associated factor 15; plus strand). Cytogenetic location: 17q12.
Variant type: single nucleotide variant.
Coding change: c.227G>T on transcript NM_139215.3 (MANE Select); coding-DNA position 227, G replaced by T.
Protein change: p.Ser76Ile; replaces serine 76 with isoleucine.
Molecular consequence: missense variant.
Genome position (GRCh38, 1-based): chr17:35,820,374, G>T. VCF-style: chr17-35820374-G-T. GRCh37 (hg19) VCF-style: chr17-34147378-G-T.
Other names: c.218G>T, p.Ser73Ile (NM_003487.4); short protein forms S73I, S76I.
Identifiers: ClinVar variation 2577559 (VCV002577559.1), dbSNP rs929675313, ClinGen allele CA290021266.